The following is an entry in ClinVar:

ClinVar aggregate classification (germline): Benign/Likely benign. Review status: criteria provided, multiple submitters, no conflicts (2 of 4 stars). 10 submissions from 10 submitters: Benign (2); Likely benign (5). 3 of the submissions do not count toward it. Last evaluated 2026-02-01.

Conditions:
Inborn genetic diseases. Identifiers: MedGen C0950123, MeSH D030342.
Polycystic kidney disease, adult type (PKD1). Also called: POLYCYSTIC KIDNEY DISEASE 1 WITH OR WITHOUT POLYCYSTIC LIVER DISEASE; Polycystic Kidney Disease 1, Autosomal Dominant; Polycystic kidney disease 1; Polycystic kidney disease 1, severe; Polycystic Kidney, Autosomal Dominant; POLYCYSTIC KIDNEY DISEASE, ADULT, TYPE I. Identifiers: MedGen C3149841, MONDO:0008263, OMIM 173900.
Polycystic kidney disease. Also called: Kidney, Polycystic; Polycystic kidney dysplasia. Identifiers: MedGen C0022680, MeSH D007690, MONDO:0020642, HP:0000113.

Allele frequency attached by ClinVar (database versions not stated): gnomAD 0.00128 and 0.00132; TOPMed 0.00138; ESP Exome Variant Server 0.00173; gnomAD exomes 0.00214 and 0.00111; 1000 Genomes Project 30x 0.00062; 1000 Genomes Project 0.00080; ExAC 0.00095.
gnomAD v4.1: 3,324 of 1,609,960 alleles (0.21%); highest among the groups gnomAD compares: Non-Finnish European, 0.26%; 5 homozygotes.

Submissions (10):

CeGaT Center for Human Genetics Tuebingen
Classification: Likely benign. Last evaluated: 2026-02-01. Review status: criteria provided, single submitter. Criteria: CeGaT Center For Human Genetics Tuebingen Variant Classification Criteria Version 2. Collection method: clinical testing. Allele origin: germline. Affected: yes. Observed: 5 variant alleles.
Comment: PKD1: BP4, BP7

Blueprint Genetics
Classification: Likely benign. Last evaluated: 2024-11-11. Review status: criteria provided, single submitter. Criteria: ACMG Guidelines, 2015. Collection method: clinical testing. Allele origin: germline.

Ambry Genetics
Classification: Likely benign for Inborn genetic diseases. Last evaluated: 2023-05-19. Review status: criteria provided, single submitter. Criteria: Ambry Variant Classification Scheme 2023. Collection method: clinical testing. Allele origin: germline.

ARUP Laboratories, Molecular Genetics and Genomics, ARUP Laboratories
Classification: Benign for Polycystic kidney disease, adult type. Last evaluated: 2019-03-08. Review status: criteria provided, single submitter. Criteria: ARUP Molecular Germline Variant Investigation Process. Collection method: clinical testing. Allele origin: germline.

Athena Diagnostics
Classification: Benign. Last evaluated: 2017-03-13. Review status: criteria provided, single submitter. Criteria: Athena Diagnostics Criteria. Collection method: clinical testing. Allele origin: germline.

Breakthrough Genomics
Classification: Likely benign. Review status: criteria provided, single submitter. Criteria: ACMG Guidelines, 2015. Collection method: not provided. Allele origin: germline. Inheritance: Autosomal dominant inheritance. Affected: yes.

PreventionGenetics, part of Exact Sciences
Classification: Likely benign. Review status: criteria provided, single submitter. Criteria: ACMG Guidelines, 2015. Collection method: clinical testing. Allele origin: germline.

Clinical Genetics DNA and cytogenetics Diagnostics Lab, Erasmus MC, Erasmus Medical Center
Classification: Likely benign. Review status: no assertion criteria provided. Collection method: clinical testing. Allele origin: germline. Affected: yes. Study: VKGL Data-share Consensus. Not counted in ClinVar's aggregate classification.

Department of Pathology and Laboratory Medicine, Sinai Health System
Classification: Likely benign for Polycystic Kidney disease. Review status: no assertion criteria provided. Collection method: clinical testing. Allele origin: unknown. Affected: yes. Observed: 1 variant allele. Study: The Canadian Open Genetics Repository (COGR). Not counted in ClinVar's aggregate classification.
Comment: The PKD1 p.Ser2788= variant was identified in 1 of 460 proband chromosomes (freq 0.002) from individuals or families with PKD (Rossetti 2012). The variant was also identified in dbSNP (ID: rs145176597) as â€šÃ„ÃºWith Likely benign alleleâ€šÃ„Ã¹, in Clinvitae and ClinVar (as likely benign by PreventionGenetics), ADPKD Mutation Database (as likely neutral), and PKD1-LOVD 3.0 (2x, unclassified with the probability of no functional affect), the 1000 Genomes Project in 4 of 5008 chromosomes (freq 0.0008), the NHLBI GO Exome Sequencing Project in 20 of 8446 European American alleles (freq 0.0023) and 2 in 4306 African American alleles (freq 0.00045), the genome Aggregation Database (beta, October 19th 2016) in 286 (1 homozygous) of 271612 chromosomes (freq. 0.001), the Exome Aggregation Consortium database (August 8th 2016) in 108 (1 homozygous) of 113342 chromosomes (freq. 0.001) in the following populations: European in 84 of 61652 chromosomes (freq. 0.001), South Asian in 13 of 16422 chromosomes (freq. 0.0008), Latino in 8 of 11282 chromosomes (freq. 0.0007), African in 2 of 8270 chromosomes (freq. 0.00024), and East Asian in 1 of 8378 chromosomes (freq. 0.0001), but was not seen in Finnish and other populations, increasing the likelihood this could be a low frequency benign variant. In addition we cannot be certain that data from control databases is specific to PKD1 and not from one of the six PKD1 pseudogenes. This variant was not identified in GeneInsight-COGR, MutDB, and PKD1-LOVD databases. The p.Ser2788= variant is not expected to have clinical significance because it does not result in a change of amino acid and is not located in a known consensus splice site. The variant occurs outside of the splicing consensus sequence and 1 of 5 in silico or computational prediction software programs (SpliceSiteFinder, MaxEntScan, NNSPLICE, GeneSplicer, HumanSpliceFinder) predict a greater than 10% difference in splicing; this is not very predictive of pathogenicity. In summary, based on the above information, the clinical significance of this variant cannot be determined with certainty at this time although we would lean towards a more benign role for this variant. This variant is classified as likely benign.

Genome Diagnostics Laboratory, University Medical Center Utrecht
Classification: Benign. Review status: no assertion criteria provided. Collection method: clinical testing. Allele origin: germline. Affected: yes. Study: VKGL Data-share Consensus. Not counted in ClinVar's aggregate classification.

Literature cited by the submitters: PubMed 27499327 (cited by Athena Diagnostics).

NM_001009944.3(PKD1):c.8364G>A (p.Ser2788=)

Gene: PKD1 (polycystin 1, transient receptor potential channel interacting; minus strand). Cytogenetic location: 16p13.3.
Variant type: single nucleotide variant.
Coding change: c.8364G>A on transcript NM_001009944.3 (MANE Select); coding-DNA position 8364, G replaced by A.
Protein change: p.Ser2788=; no amino-acid change (serine 2788 retained).
Molecular consequence: synonymous variant.
Genome position (GRCh38, 1-based): chr16:2,103,693, C>T on the plus strand (G>A on the coding strand, the complement: PKD1 is on the minus strand). VCF-style: chr16-2103693-C-T. GRCh37 (hg19) VCF-style: chr16-2153694-C-T.
Other names: c.8364G>A, p.Ser2788= (NM_000296.4).
Identifiers: ClinVar variation 257018 (VCV000257018.40), dbSNP rs145176597, ClinGen allele CA7830548.
Genomic context (GRCh38, chr16:2,103,693, plus strand): 5'-GATGGAGAAGTGGCAGCCAGGCCCTGGGGCGCCGCCATAGCACAGCAGGCTCCGCGGGTC[C>T]GAGCGCTTGCCCTGGGCCACGATCTCCTCGCCCGCCAGCGTCAGGGGCTCCTCGTTGAGC-3'
Protein context (NP_001009944.3, residues 2778-2798): GEEIVAQGKR[Ser2788=]DPRSLLCYGG